The following is an entry in ClinVar:

NM_000140.3(FECH):c.-252A>G

Genes: FECH (ferrochelatase; minus strand), LOC130062560 (ATAC-STARR-seq lymphoblastoid silent region 9481; plus strand). Cytogenetic location: 18q21.31.
Variant type: single nucleotide variant.
Coding change: c.-252A>G on transcript NM_000140.3; 252 bases upstream of the start codon, A replaced by G.
Genome position (GRCh38, 1-based): chr18:57,586,872, T>C on the plus strand (A>G on the coding strand, the complement: FECH is on the minus strand). VCF-style: chr18-57586872-T-C. GRCh37 (hg19) VCF-style: chr18-55254104-T-C.
Identifiers: ClinVar variation 255310 (VCV000255310.7), dbSNP rs17063905, ClinGen allele CA10587291.
Genomic context (GRCh38, chr18:57,586,872, plus strand): 5'-CGGAGAGCCCGCCCCAGCTGGGCGCCGCTCCCTGCGTGAAAATGGGCCCGGGGGCTGAGC[T>C]AGAAGCCCGCTCCCCACCACCATCGCAGGTCACTGCAAAACCTGCTGGACTCCTAGTTGC-3'

ClinVar aggregate classification (germline): Benign. Review status: criteria provided, multiple submitters, no conflicts (2 of 4 stars). 3 submissions from 3 submitters: Benign (3). Last evaluated 2018-11-11.

Allele frequency attached by ClinVar (database versions not stated): gnomAD exomes 0.21321; gnomAD 0.27835 and 0.27971; 1000 Genomes Project 30x 0.33089; 1000 Genomes Project 0.33187; TOPMed 0.29054.

Submissions (3):

GeneDx
Classification: Benign. Last evaluated: 2018-11-11. Review status: criteria provided, single submitter. Criteria: GeneDx Variant Classification Process June 2021. Collection method: clinical testing. Allele origin: germline. Affected: yes.
Comment: This variant is associated with the following publications: (PMID: 15850836)

Breakthrough Genomics
Classification: Benign. Review status: criteria provided, single submitter. Criteria: ACMG Guidelines, 2015. Collection method: not provided. Allele origin: germline. Inheritance: Autosomal recessive inheritance. Affected: yes.

PreventionGenetics, part of Exact Sciences
Classification: Benign. Review status: criteria provided, single submitter. Criteria: ACMG Guidelines, 2015. Collection method: clinical testing. Allele origin: germline.